The following is an entry in ClinVar:

NM_000051.4(ATM):c.495_496+16del

Gene: ATM (ATM serine/threonine kinase; plus strand). Cytogenetic location: 11q22.3.
Variant type: Deletion.
Coding change: c.495_496+16del on transcript NM_000051.4 (MANE Select); coding-DNA position 495 through 16 bases into the intron after coding-DNA position 496, 18 bases deleted (AGGTATGTTTTGAAGGTT).
Molecular consequence: splice donor variant.
Genome position (GRCh38, 1-based): chr11:108,235,833-108,235,850, AGGTATGTTTTGAAGGTT deleted; deleting any 18 consecutive bases within chr11:108,235,829-108,235,850 gives the same sequence; the c. name uses the placement nearest the transcript's 3' end. VCF-style (leftmost placement, unchanged base first): chr11-108235828-TGGTTAGGTATGTTTTGAA-T. GRCh37 (hg19) VCF-style: chr11-108106555-TGGTTAGGTATGTTTTGAA-T.
Other names: c.495_496+16del (NM_001351834.2); c.495_496+16del18 (NM_000051.3).
Identifiers: ClinVar variation 487452 (VCV000487452.22), dbSNP rs1555059522, ClinGen allele CA658656163.

ClinVar aggregate classification (germline): Pathogenic/Likely pathogenic. Review status: criteria provided, multiple submitters, no conflicts (2 of 4 stars). 7 submissions from 7 submitters: Pathogenic (2); Likely pathogenic (3). 2 of the submissions do not count toward it. Last evaluated 2025-10-01.

Conditions:
Hereditary cancer-predisposing syndrome. Also called: Tumor predisposition; Neoplastic Syndromes, Hereditary; Hereditary Cancer Syndrome; Hereditary neoplastic syndrome. Identifiers: Orphanet 140162, MedGen C0027672, MeSH D009386, MONDO:0015356.
Familial cancer of breast. Also called: BREAST CANCER, FAMILIAL; hereditary breast carcinoma; Hereditary breast cancer. Identifiers: Orphanet 227535, MedGen C0346153, MONDO:0016419, OMIM 114480. Disease mechanism: loss of function.
Ataxia-telangiectasia syndrome (AT). Also called: Ataxia-telangiectasia; Ataxia-telangiectasia, complementation group D; AT, COMPLEMENTATION GROUP C; LOUIS-BAR SYNDROME; Cerebello-oculocutaneous telangiectasia; Immunodeficiency with ataxia telangiectasia. Identifiers: Orphanet 100, MedGen C0004135, MONDO:0008840, OMIM 208900.

Submissions (7):

Labcorp Genetics (formerly Invitae), Labcorp
Classification: Pathogenic for Ataxia-telangiectasia syndrome. Last evaluated: 2025-10-01. Review status: criteria provided, single submitter. Criteria: Invitae Variant Classification Sherloc (09022015). Collection method: clinical testing. Allele origin: germline.
Comment: This variant results in the deletion of part of exon 5 (c.495_496+16del) of the ATM gene. RNA analysis indicates that this variant induces altered splicing and may result in an absent or altered protein product. This variant is not present in population databases (gnomAD no frequency). This variant has not been reported in the literature in individuals affected with ATM-related conditions. ClinVar contains an entry for this variant (Variation ID: 487452). Studies have shown that this variant results in skipping of exon 5, and produces a non-functional protein and/or introduces a premature termination codon (internal data). For these reasons, this variant has been classified as Pathogenic.

Ambry Genetics
Classification: Pathogenic for Hereditary cancer-predisposing syndrome. Last evaluated: 2025-07-07. Review status: criteria provided, single submitter. Criteria: Ambry Variant Classification Scheme 2023. Collection method: clinical testing. Allele origin: germline.
Comment: The c.495_496+16del18 pathogenic mutation results from a deletion of 18 nucleotides between positions c.495 and c.496+16 and involves the canonical splice donor site after coding exon 4 of the ATM gene. The canonical splice donor site is highly conserved in available vertebrate species. In silico splice site analysis predicts that this alteration will weaken the native splice donor site. RNA studies have demonstrated that this alteration results in abnormal splicing in the set of samples tested (Ambry internal data). Another alteration impacting the same donor site (c.496+5G>A) has been shown to have a similar impact on splicing and has been reported in ataxia-telangiectasia (A-T) patients (D&ouml;rk T et al. Am. J. Med. Genet. 2004 Apr;126A(3):272-7; Verhagen MM et al. Neurology 2009 Aug;73(6):430-7). Based on the supporting evidence, this alteration is interpreted as a disease-causing mutation.

Myriad Genetics, Inc.
Classification: Likely pathogenic for Familial cancer of breast. Last evaluated: 2024-01-10. Review status: criteria provided, single submitter. Criteria: Myriad Autosomal Dominant, Autosomal Recessive and X-Linked Classification Criteria (2023). Collection method: clinical testing. Allele origin: unknown.
Comment: This variant is considered likely pathogenic. This variant occurs within a consensus splice junction and is predicted to result in abnormal mRNA splicing of either an out-of-frame exon or an in-frame exon necessary for protein stability and/or normal function.

Sema4
Classification: Likely pathogenic for Hereditary cancer-predisposing syndrome. Last evaluated: 2022-01-24. Review status: criteria provided, single submitter. Criteria: Sema4 Curation Guidelines. Collection method: curation. Allele origin: germline.
Comment: To the best of our knowledge, the ATM c.495_496+16del variant has not been reported in individuals with ATM-related disease. This variant deletes 18 nucleotides at the intersection of exon 5 and intron 5, including the consensus splice site. This variant may cause exon skipping, intron retention, or use of a cryptic splice site, and likely results in an absent or disrupted protein product, though these predictions have not been confirmed by functional studies. Loss of function variants in ATM are known to be pathogenic (PMID: 31050087). This variant is not reported in the population database Genome Aggregation Database (PMID: 32461654). This variant has been reported in ClinVar (Variation ID: 487452). Based on the current evidence available, this variant is interpreted as likely pathogenic.

Color Diagnostics, LLC DBA Color Health
Classification: Likely pathogenic for Hereditary cancer-predisposing syndrome. Last evaluated: 2021-07-15. Review status: criteria provided, single submitter. Criteria: ACMG Guidelines, 2015. Collection method: clinical testing. Allele origin: germline.
Comment: This variant deletes 18 nucleotides at the exon 5/intron 5 splice junction of the ATM gene. Splice site prediction tools suggest that this variant may have a significant impact on RNA splicing. Although this prediction has not been confirmed in published RNA studies, this variant is expected to result in a disrupted protein product. To our knowledge, this variant has not been identified in the general population by the Genome Aggregation Database (gnomAD). Loss of ATM function is a known mechanism of disease. Based on the available evidence, this variant is classified as Likely Pathogenic.

Natera, Inc.
Classification: Likely pathogenic for Ataxia-telangiectasia. Last evaluated: 2021-02-07. Review status: no assertion criteria provided. Collection method: clinical testing. Allele origin: germline. Not counted in ClinVar's aggregate classification.

Counsyl
Classification: Likely pathogenic for Ataxia-telangiectasia syndrome. Last evaluated: 2017-03-30. Review status: no assertion criteria provided. Collection method: clinical testing. Allele origin: unknown. Not counted in ClinVar's aggregate classification.

Literature cited by the submitters: PubMed 31050087 (cited by Sema4).